The following is an entry in ClinVar:

ClinVar aggregate classification (germline): Uncertain significance. Review status: criteria provided, multiple submitters, no conflicts (2 of 4 stars). 2 submissions from 2 submitters: Uncertain significance (2). Last evaluated 2024-09-18.

Conditions:
Hereditary cancer-predisposing syndrome. Also called: Tumor predisposition; Neoplastic Syndromes, Hereditary; Hereditary Cancer Syndrome; Hereditary neoplastic syndrome. Identifiers: Orphanet 140162, MedGen C0027672, MeSH D009386, MONDO:0015356.

Submissions (2):

Labcorp Genetics (formerly Invitae), Labcorp
Classification: Uncertain significance. Last evaluated: 2024-09-18. Review status: criteria provided, single submitter. Criteria: Invitae Variant Classification Sherloc (09022015). Collection method: clinical testing. Allele origin: germline.
Comment: This sequence change replaces proline, which is neutral and non-polar, with leucine, which is neutral and non-polar, at codon 635 of the CTNNA1 protein (p.Pro635Leu). This variant is not present in population databases (gnomAD no frequency). This variant has not been reported in the literature in individuals affected with CTNNA1-related conditions. Invitae Evidence Modeling of protein sequence and biophysical properties (such as structural, functional, and spatial information, amino acid conservation, physicochemical variation, residue mobility, and thermodynamic stability) indicates that this missense variant is not expected to disrupt CTNNA1 protein function with a negative predictive value of 80%. In summary, the available evidence is currently insufficient to determine the role of this variant in disease. Therefore, it has been classified as a Variant of Uncertain Significance.

Ambry Genetics
Classification: Uncertain significance for Hereditary cancer-predisposing syndrome. Last evaluated: 2024-09-03. Review status: criteria provided, single submitter. Criteria: Ambry Variant Classification Scheme 2023. Collection method: clinical testing. Allele origin: germline.
Comment: The p.P635L variant (also known as c.1904C>T), located in coding exon 13 of the CTNNA1 gene, results from a C to T substitution at nucleotide position 1904. The proline at codon 635 is replaced by leucine, an amino acid with similar properties. This amino acid position is conserved. In addition, the in silico prediction for this alteration is inconclusive. Based on the available evidence, the clinical significance of this variant remains unclear.

NM_001903.5(CTNNA1):c.1904C>T (p.Pro635Leu)

Gene: CTNNA1 (catenin alpha 1; plus strand). Cytogenetic location: 5q31.2.
Variant type: single nucleotide variant.
Coding change: c.1904C>T on transcript NM_001903.5 (MANE Select); coding-DNA position 1904, C replaced by T.
Protein change: p.Pro635Leu; replaces proline 635 with leucine.
Molecular consequence: missense variant.
Genome position (GRCh38, 1-based): chr5:138,929,250, C>T. VCF-style: chr5-138929250-C-T. GRCh37 (hg19) VCF-style: chr5-138264939-C-T.
Other names: c.1904C>T, p.Pro635Leu (NM_001290307.3, NM_001323982.2, NM_001323983.1 and 2 more transcripts); c.1595C>T, p.Pro532Leu (NM_001290309.3); c.1535C>T, p.Pro512Leu (NM_001290310.3); c.794C>T, p.Pro265Leu (NM_001290312.1, NM_001323987.1, NM_001323988.1 and 17 more transcripts); c.1811C>T, p.Pro604Leu (NM_001323986.2); c.455C>T, p.Pro152Leu (NM_001324006.1, NM_001324007.1, NM_001324008.1 and 2 more transcripts); c.701C>T, p.Pro234Leu (NM_001324011.1); c.551C>T, p.Pro184Leu (NM_001324012.1, NM_001324013.1); short protein forms P184L, P532L, P152L, P234L, P265L, P512L, P604L, P635L.
Identifiers: ClinVar variation 3498239 (VCV003498239.3).